The following is an entry in ClinVar:

NM_006393.3(NEBL):c.2623C>A (p.His875Asn)

Gene: NEBL (nebulette; minus strand). Cytogenetic location: 10p12.31.
Variant type: single nucleotide variant.
Coding change: c.2623C>A on transcript NM_006393.3 (MANE Select); coding-DNA position 2623, C replaced by A.
Protein change: p.His875Asn; replaces histidine 875 with asparagine.
Molecular consequence: missense variant. On other transcripts: intron variant (9).
Genome position (GRCh38, 1-based): chr10:20,808,648, G>T on the plus strand (C>A on the coding strand, the complement: NEBL is on the minus strand). VCF-style: chr10-20808648-G-T. GRCh37 (hg19) VCF-style: chr10-21097577-G-T.
Other names: c.421+4121C>A (NM_001377326.1, NM_001377327.1, NM_001377328.1); c.529+4121C>A (NM_213569.2, NM_001173484.2); c.622+1158C>A (NM_001377322.1); c.472+4121C>A (NM_001377324.1); c.463+4121C>A (NM_001377325.1); c.481+4121C>A (NM_001377323.1); short protein forms H875N.
Identifiers: ClinVar variation 3225571 (VCV003225571.3), dbSNP rs1025119284, ClinGen allele CA204162224.

ClinVar aggregate classification (germline): Uncertain significance. Review status: criteria provided, multiple submitters, no conflicts (2 of 4 stars). 2 submissions from 2 submitters: Uncertain significance (2). Last evaluated 2024-10-04.

Conditions:
Primary dilated cardiomyopathy (DCM). Also called: Dilated Cardiomyopathy. Identifiers: Orphanet 217604, MedGen C0007193, MeSH D002311, MONDO:0005021, HP:0001644. Inheritance: Various modes of inheritance.

Allele frequency attached by ClinVar (database versions not stated): TOPMed 0.00001; gnomAD 0.00002.
gnomAD v4.1: 4 of 1,612,786 alleles (0.00025%); highest among the groups gnomAD compares: African/African-American, 0.004%; no homozygotes.

Submissions (2):

Labcorp Genetics (formerly Invitae), Labcorp
Classification: Uncertain significance for Primary dilated cardiomyopathy. Last evaluated: 2024-10-04. Review status: criteria provided, single submitter. Criteria: Invitae Variant Classification Sherloc (09022015). Collection method: clinical testing. Allele origin: germline.
Comment: This sequence change replaces histidine, which is basic and polar, with asparagine, which is neutral and polar, at codon 875 of the NEBL protein (p.His875Asn). This variant is present in population databases (no rsID available, gnomAD 0.01%). This variant has not been reported in the literature in individuals affected with NEBL-related conditions. An algorithm developed to predict the effect of missense changes on protein structure and function (PolyPhen-2) suggests that this variant is likely to be tolerated. In summary, the available evidence is currently insufficient to determine the role of this variant in disease. Therefore, it has been classified as a Variant of Uncertain Significance.

Ambry Genetics
Classification: Uncertain significance. Last evaluated: 2023-10-26. Review status: criteria provided, single submitter. Criteria: Ambry Variant Classification Scheme 2023. Collection method: clinical testing. Allele origin: germline.
Comment: The p.H875N variant (also known as c.2623C>A), located in coding exon 26 of the NEBL gene, results from a C to A substitution at nucleotide position 2623. The histidine at codon 875 is replaced by asparagine, an amino acid with similar properties. This amino acid position is conserved. In addition, this alteration is predicted to be tolerated by in silico analysis. Since supporting evidence is limited at this time, the clinical significance of this alteration remains unclear.